The following is an entry in ClinVar:

ClinVar aggregate classification (germline): Likely pathogenic (1 of 4 stars; one submission).

Conditions:
Primary ciliary dyskinesia 7. Also called: CILIARY DYSKINESIA, PRIMARY, 7, WITH OR WITHOUT SITUS INVERSUS. Identifiers: Orphanet 244, MedGen C2678473, MONDO:0012748, OMIM 611884.

Submission:

Laboratorio de Genetica e Diagnostico Molecular, Hospital Israelita Albert Einstein
Classification: Likely pathogenic for Primary ciliary dyskinesia 7. Last evaluated: 2023-02-11. Review status: criteria provided, single submitter. Criteria: ACMG Guidelines, 2015. Collection method: clinical testing. Allele origin: germline. Affected: yes. Observed: 1 variant allele.
Comment: ACMG classification criteria: PVS1 very strong, PM2 moderated

NM_001277115.2(DNAH11):c.3601G>T (p.Glu1201Ter)

Gene: DNAH11 (dynein axonemal heavy chain 11; plus strand). Cytogenetic location: 7p15.3.
Variant type: single nucleotide variant.
Coding change: c.3601G>T on transcript NM_001277115.2 (MANE Select); coding-DNA position 3601, G replaced by T.
Protein change: p.Glu1201Ter; replaces glutamic acid 1201 with a stop codon.
Molecular consequence: nonsense.
Genome position (GRCh38, 1-based): chr7:21,601,571, G>T. VCF-style: chr7-21601571-G-T. GRCh37 (hg19) VCF-style: chr7-21641189-G-T.
Other names: c.3601G>T, p.Glu1201Ter (NM_003777.3); short protein forms E1201*.
Identifiers: ClinVar variation 2431565 (VCV002431565.1), dbSNP rs2534636903, ClinGen allele CA366947336.